The following is an entry in ClinVar:

ClinVar aggregate classification (germline): Pathogenic (1 of 4 stars; one submission).

Conditions:
RYR1-related disorder. Also called: RYR1-related condition; RYR1-related disorders. Identifiers: MedGen CN239331.

Submission:

Labcorp Genetics (formerly Invitae), Labcorp
Classification: Pathogenic for RYR1-related disorder. Last evaluated: 2023-02-15. Review status: criteria provided, single submitter. Criteria: Invitae Variant Classification Sherloc (09022015). Collection method: clinical testing. Allele origin: germline.
Comment: This variant has not been reported in the literature in individuals affected with RYR1-related conditions. For these reasons, this variant has been classified as Pathogenic. This variant is not present in population databases (gnomAD no frequency). This sequence change creates a premature translational stop signal (p.Trp3445*) in the RYR1 gene. It is expected to result in an absent or disrupted protein product. Loss-of-function variants in RYR1 are known to be pathogenic (PMID: 23919265, 25960145, 28818389, 30611313).

Literature cited by the submitters: PubMed 23919265; PubMed 25960145; PubMed 28818389; PubMed 30611313.

NM_000540.3(RYR1):c.10334G>A (p.Trp3445Ter)

Gene: RYR1 (ryanodine receptor 1; plus strand). Cytogenetic location: 19q13.2.
Variant type: single nucleotide variant.
Coding change: c.10334G>A on transcript NM_000540.3 (MANE Select); coding-DNA position 10334, G replaced by A.
Protein change: p.Trp3445Ter; replaces tryptophan 3445 with a stop codon.
Molecular consequence: nonsense.
Genome position (GRCh38, 1-based): chr19:38,523,102, G>A. VCF-style: chr19-38523102-G-A. GRCh37 (hg19) VCF-style: chr19-39013742-G-A.
Other names: c.10334G>A, p.Trp3445Ter (NM_001042723.2); short protein forms W3445*.
Identifiers: ClinVar variation 3017047 (VCV003017047.3), dbSNP rs2514462770, ClinGen allele CA405699017.